The following is an entry in ClinVar:

ClinVar aggregate classification (germline): Uncertain significance. Review status: criteria provided, multiple submitters, no conflicts (2 of 4 stars). 3 submissions from 3 submitters: Uncertain significance (3). Last evaluated 2025-07-12.

Conditions:
Ataxia-telangiectasia syndrome (AT). Also called: LOUIS-BAR SYNDROME; Cerebello-oculocutaneous telangiectasia; Immunodeficiency with ataxia telangiectasia; ATAXIA-TELANGIECTASIA, COMPLEMENTATION GROUP A; ATAXIA-TELANGIECTASIA, FRESNO VARIANT; Ataxia-telangiectasia. Identifiers: Orphanet 100, MedGen C0004135, MONDO:0008840, OMIM 208900.

Submissions (3):

Women's Health and Genetics/Laboratory Corporation of America, LabCorp
Classification: Uncertain significance. Last evaluated: 2025-07-12. Review status: criteria provided, single submitter. Criteria: LabCorp Variant Classification Summary - May 2015. Collection method: clinical testing. Allele origin: germline.

Labcorp Genetics (formerly Invitae), Labcorp
Classification: Uncertain significance for Ataxia-telangiectasia syndrome. Last evaluated: 2021-10-23. Review status: criteria provided, single submitter. Criteria: Invitae Variant Classification Sherloc (09022015). Collection method: clinical testing. Allele origin: germline.
Comment: This sequence change replaces asparagine with histidine at codon 1793 of the ATM protein (p.Asn1793His). The asparagine residue is weakly conserved and there is a small physicochemical difference between asparagine and histidine. This variant is not present in population databases (ExAC no frequency). This variant has not been reported in the literature in individuals affected with ATM-related conditions. ClinVar contains an entry for this variant (Variation ID: 181966). Advanced modeling of protein sequence and biophysical properties (such as structural, functional, and spatial information, amino acid conservation, physicochemical variation, residue mobility, and thermodynamic stability) performed at Invitae indicates that this missense variant is not expected to disrupt ATM protein function. In summary, the available evidence is currently insufficient to determine the role of this variant in disease. Therefore, it has been classified as a Variant of Uncertain Significance.

GeneDx
Classification: Uncertain significance. Last evaluated: 2014-09-09. Review status: criteria provided, single submitter. Criteria: GeneDx Variant Classification (06012015). Collection method: clinical testing. Allele origin: germline. Affected: yes.
Comment: This variant is denoted ATM c.5377A>C at the cDNA level, p.Asn1793His (N1793H) at the protein level, and results in the change of an Asparagine to a Histidine (AAT>CAT). This variant has not, to our knowledge, been published in the literature as pathogenic or benign. ATM Asn1793His was not observed in approximately 6,500 individuals of European and African American ancestry in the NHLBI Exome Sequencing Project, indicating it is not a common benign variant in these populations. Since Asparagine and Histidine differ in some properties, this is considered a semi-conservative amino acid substitution. ATM Asn1793His occurs at a position that is variable across species and is not located in a known functional domain. In silico analyses predict that this variant is unlikely to alter protein structure or function. Based on currently available information, it is unclear whether ATM Asn1793His is pathogenic or benign. We consider it to be a variant of uncertain significance.

NM_000051.4(ATM):c.5377A>C (p.Asn1793His)

Gene: ATM (ATM serine/threonine kinase; plus strand). Cytogenetic location: 11q22.3.
Variant type: single nucleotide variant.
Coding change: c.5377A>C on transcript NM_000051.4 (MANE Select); coding-DNA position 5377, A replaced by C.
Protein change: p.Asn1793His; replaces asparagine 1793 with histidine.
Molecular consequence: missense variant.
Genome position (GRCh38, 1-based): chr11:108,302,910, A>C. VCF-style: chr11-108302910-A-C. GRCh37 (hg19) VCF-style: chr11-108173637-A-C.
Other names: p.N1793H:AAT>CAT; c.5377A>C, p.Asn1793His (NM_001351834.2); short protein forms N1793H.
Identifiers: ClinVar variation 181966 (VCV000181966.8), dbSNP rs730881374, ClinGen allele CA298272.